The following is an entry in ClinVar:

NM_004789.4(LHX2):c.351C>T (p.Arg117=)

Gene: LHX2 (LIM homeobox 2; plus strand). Cytogenetic location: 9q33.3.
Variant type: single nucleotide variant.
Coding change: c.351C>T on transcript NM_004789.4 (MANE Select); coding-DNA position 351, C replaced by T.
Protein change: p.Arg117=; no amino-acid change (arginine 117 retained).
Molecular consequence: synonymous variant.
Genome position (GRCh38, 1-based): chr9:124,015,149, C>T. VCF-style: chr9-124015149-C-T. GRCh37 (hg19) VCF-style: chr9-126777428-C-T.
Identifiers: ClinVar variation 3043036 (VCV003043036.2), dbSNP rs370825161, ClinGen allele CA5233838.

ClinVar aggregate classification (germline): Likely benign (0 of 4 stars; one submission).

Conditions:
LHX2-related disorder. Also called: LHX2-related condition.

Allele frequency attached by ClinVar (database versions not stated): gnomAD exomes 0.00002; ExAC 0.00003; gnomAD 0.00003; TOPMed 0.00003; ESP Exome Variant Server 0.00008.
gnomAD v4.1: 39 of 1,613,698 alleles (0.0024%); highest among the groups gnomAD compares: Non-Finnish European, 0.003%; no homozygotes.

Submission:

PreventionGenetics, part of Exact Sciences
Classification: Likely benign for LHX2-related condition. Last evaluated: 2020-01-03. Review status: no assertion criteria provided. Collection method: clinical testing. Allele origin: germline.
Comment: This variant is classified as likely benign based on ACMG/AMP sequence variant interpretation guidelines (Richards et al. 2015 PMID: 25741868, with internal and published modifications).